The following is an entry in ClinVar:

ClinVar aggregate classification (germline): Uncertain significance (1 of 4 stars; one submission).

Allele frequency attached by ClinVar (database versions not stated): ExAC 0.00001; gnomAD exomes 0.00001; TOPMed 0.00001.
gnomAD v4.1: 5 of 1,608,618 alleles (0.00031%); highest among the groups gnomAD compares: South Asian, 0.0055%; no homozygotes.

Submission:

Labcorp Genetics (formerly Invitae), Labcorp
Classification: Uncertain significance. Last evaluated: 2022-11-15. Review status: criteria provided, single submitter. Criteria: Invitae Variant Classification Sherloc (09022015). Collection method: clinical testing. Allele origin: germline.
Comment: This variant is present in population databases (rs747803705, gnomAD 0.003%). This sequence change replaces alanine, which is neutral and non-polar, with valine, which is neutral and non-polar, at codon 637 of the EMC1 protein (p.Ala637Val). This variant has not been reported in the literature in individuals affected with EMC1-related conditions. In summary, the available evidence is currently insufficient to determine the role of this variant in disease. Therefore, it has been classified as a Variant of Uncertain Significance. Advanced modeling of protein sequence and biophysical properties (such as structural, functional, and spatial information, amino acid conservation, physicochemical variation, residue mobility, and thermodynamic stability) has been performed at Invitae for this missense variant, however the output from this modeling did not meet the statistical confidence thresholds required to predict the impact of this variant on EMC1 protein function.

NM_015047.3(EMC1):c.1910C>T (p.Ala637Val)

Genes: EMC1 (ER membrane protein complex subunit 1; minus strand), EMC1-AS1 (EMC1 antisense RNA 1; plus strand). Cytogenetic location: 1p36.13.
Variant type: single nucleotide variant.
Coding change: c.1910C>T on transcript NM_015047.3 (MANE Select); coding-DNA position 1910, C replaced by T.
Protein change: p.Ala637Val; replaces alanine 637 with valine.
Molecular consequence: missense variant.
Genome position (GRCh38, 1-based): chr1:19,231,295, G>A on the plus strand (C>T on the coding strand, the complement: EMC1 is on the minus strand). VCF-style: chr1-19231295-G-A. GRCh37 (hg19) VCF-style: chr1-19557789-G-A.
Other names: c.1907C>T, p.Ala636Val (NM_001271427.2, NM_001271428.2); c.1844C>T, p.Ala615Val (NM_001271429.2); c.1919C>T, p.Ala640Val (NM_001375820.1); c.1916C>T, p.Ala639Val (NM_001375821.1); short protein forms A615V, A637V, A640V, A636V, A639V.
Identifiers: ClinVar variation 1955262 (VCV001955262.5), dbSNP rs747803705, ClinGen allele CA652470.